The following is an entry in ClinVar:

ClinVar aggregate classification (germline): Pathogenic/Likely pathogenic. Review status: criteria provided, multiple submitters, no conflicts (2 of 4 stars). 2 submissions from 2 submitters: Pathogenic (1); Likely pathogenic (1). Last evaluated 2025-03-04.

Submissions (2):

GeneDx
Classification: Likely pathogenic. Last evaluated: 2025-03-04. Review status: criteria provided, single submitter. Criteria: GeneDx Variant Classification Process June 2021. Collection method: clinical testing. Allele origin: germline. Affected: yes.
Comment: Frameshift variant predicted to result in protein truncation or nonsense mediated decay in a gene for which loss of function is a known mechanism of disease; Not observed at significant frequency in large population cohorts (gnomAD); Has not been previously published as pathogenic or benign to our knowledge

Labcorp Genetics (formerly Invitae), Labcorp
Classification: Pathogenic. Last evaluated: 2024-01-04. Review status: criteria provided, single submitter. Criteria: Invitae Variant Classification Sherloc (09022015). Collection method: clinical testing. Allele origin: germline.
Comment: This sequence change creates a premature translational stop signal (p.Glu700Valfs*89) in the COL2A1 gene. It is expected to result in an absent or disrupted protein product. Loss-of-function variants in COL2A1 are known to be pathogenic (PMID: 20179744). This variant is not present in population databases (gnomAD no frequency). This variant has not been reported in the literature in individuals affected with COL2A1-related conditions. This variant is also known as c.2094_2094+1dup. ClinVar contains an entry for this variant (Variation ID: 1452342). Algorithms developed to predict the effect of sequence changes on RNA splicing suggest that this variant may disrupt the consensus splice site. For these reasons, this variant has been classified as Pathogenic.

Literature cited by the submitters: PubMed 20179744 (cited by Labcorp Genetics (formerly Invitae), Labcorp).

NM_001844.5(COL2A1):c.2094_2094+1dup

Gene: COL2A1 (collagen type II alpha 1 chain; minus strand). Cytogenetic location: 12q13.11.
Variant type: Duplication.
Coding change: c.2094_2094+1dup on transcript NM_001844.5 (MANE Select); coding-DNA position 2094 through the canonical splice donor site of the intron after coding-DNA position 2094, 2 bases duplicated (GG; older notation c.2094_2094+1dupGG).
Molecular consequence: splice donor variant.
Genome position (GRCh38, 1-based): chr12:47,983,092-47,983,093, CC duplicated on the plus strand (GG on the coding strand, the reverse complement: COL2A1 is on the minus strand); duplicating any 2 consecutive bases within chr12:47,983,092-47,983,094 gives the same sequence; the c. name uses the placement nearest the transcript's 3' end. VCF-style (leftmost placement, unchanged base first): chr12-47983091-A-ACC. GRCh37 (hg19) VCF-style: chr12-48376874-A-ACC.
Other names: c.1887_1887+1dup (NM_033150.3).
Identifiers: ClinVar variation 1452342 (VCV001452342.7), dbSNP rs2136552575, ClinGen allele CA2573148596.